The following is an entry in ClinVar:

ClinVar aggregate classification (germline): Pathogenic/Likely pathogenic. Review status: criteria provided, multiple submitters, no conflicts (2 of 4 stars). 3 submissions from 3 submitters: Pathogenic (1); Likely pathogenic (1). 1 of the submissions does not count toward it. Last evaluated 2021-07-08.

Conditions:
Intellectual developmental disorder, X-linked, syndromic, Turner type. Also called: Intellectual disability, X-linked syndromic, Turner type; X-linked intellectual disability, Turner type. Identifiers: Orphanet 3056, Orphanet 85328, MedGen C2678046, MONDO:0010407, OMIM 309590.

Submissions (3):

GeneDx
Classification: Likely pathogenic. Last evaluated: 2021-07-08. Review status: criteria provided, single submitter. Criteria: GeneDx Variant Classification Process June 2021. Collection method: clinical testing. Allele origin: germline. Affected: yes.
Comment: In silico analysis, which includes protein predictors and evolutionary conservation, supports a deleterious effect; Not observed in large population cohorts (Lek et al., 2016); This variant is associated with the following publications: (PMID: 33948573, 27535533, 27130160, 29307790, 29118367, 29180823)

Center for Medical Genetics and Molecular Medicine, Haukeland University Hospital
Classification: Pathogenic for Intellectual developmental disorder, X-linked, syndromic, Turner type. Last evaluated: 2017-01-18. Review status: criteria provided, single submitter. Criteria: ACMG Guidelines, 2015. Collection method: literature only. Allele origin: maternal. Inheritance: X-linked inheritance. Affected: no. Observed: 4 variant alleles. Segregation with disease observed.
Comment: ACMG evidence: PS(2), PM(1), PP(2)

OMIM
Classification: Pathogenic for INTELLECTUAL DEVELOPMENTAL DISORDER, X-LINKED, SYNDROMIC, TURNER TYPE. Last evaluated: 2021-08-20. Review status: no assertion criteria provided. Collection method: literature only. Allele origin: germline. Not counted in ClinVar's aggregate classification.

Literature cited by the submitters: PubMed 27130160 (cited by Center for Medical Genetics and Molecular Medicine, Haukeland University Hospital and OMIM); PubMed 6107045 (cited by OMIM); PubMed 7943044 (cited by OMIM).

NM_031407.7(HUWE1):c.12928G>C (p.Gly4310Arg)

Gene: HUWE1 (HECT, UBA and WWE domain containing E3 ubiquitin protein ligase 1; minus strand). Cytogenetic location: Xp11.22.
Variant type: single nucleotide variant.
Coding change: c.12928G>C on transcript NM_031407.7 (MANE Select); coding-DNA position 12928, G replaced by C.
Protein change: p.Gly4310Arg; replaces glycine 4310 with arginine.
Molecular consequence: missense variant.
Genome position (GRCh38, 1-based): chrX:53,534,101, C>G on the plus strand (G>C on the coding strand, the complement: HUWE1 is on the minus strand). VCF-style: chrX-53534101-C-G. GRCh37 (hg19) VCF-style: chrX-53561062-C-G.
Other names: short protein forms G4310R.
Identifiers: ClinVar variation 375725 (VCV000375725.7), dbSNP rs1556909287, ClinGen allele CA413144336.